The following is an entry in ClinVar:

NM_023067.4(FOXL2):c.335T>G (p.Phe112Cys)

Gene: FOXL2 (forkhead box L2; minus strand). Cytogenetic location: 3q22.3.
Variant type: single nucleotide variant.
Coding change: c.335T>G on transcript NM_023067.4 (MANE Select); coding-DNA position 335, T replaced by G.
Protein change: p.Phe112Cys; replaces phenylalanine 112 with cysteine.
Molecular consequence: missense variant.
Genome position (GRCh38, 1-based): chr3:138,946,388, A>C on the plus strand (T>G on the coding strand, the complement: FOXL2 is on the minus strand). VCF-style: chr3-138946388-A-C. GRCh37 (hg19) VCF-style: chr3-138665230-A-C.
Other names: short protein forms F112C.
Identifiers: ClinVar variation 3381980 (VCV003381980.2).
Genomic context (GRCh38, chr3:138,946,388, plus strand): 5'-GGGTCCAGCGTCCAGTAGTTGCCCTTGCGCTCGCCGCCGCCCTCGCGCGGCACCTTGATG[A>C]AGCACTCGTTGAGGCTGAGGTTGTGGCGGATGCTATTTTGCCAGCCCTTCTTATTCTTCT-3'
Protein context (NP_075555.1, residues 102-122): IRHNLSLNEC[Phe112Cys]IKVPREGGGE

ClinVar aggregate classification (germline): Likely pathogenic (1 of 4 stars; one submission).

Conditions:
Blepharophimosis, ptosis, and epicanthus inversus syndrome. Identifiers: Orphanet 126, MedGen C0220663, MONDO:0007201, OMIM 110100.
Premature ovarian failure 3 (POF3). Identifiers: MedGen C1837008, MONDO:0012169, OMIM 608996.

Submission:

Juno Genomics, Hangzhou Juno Genomics, Inc
Classification: Likely pathogenic for Blepharophimosis, ptosis, and epicanthus inversus syndrome; Premature ovarian failure 3. Review status: criteria provided, single submitter. Criteria: ACMG Guidelines, 2015. Collection method: clinical testing. Allele origin: germline. Affected: yes.
Comment: Absent from controls (or at extremely low frequency if recessive) in Genome Aggregation Database, Exome Sequencing Project, 1000 Genomes Project, or Exome Aggregation Consortium.;Multiple lines of computational evidence support a deleterious effect on the gene or gene product (conservation, evolutionary, splicing impact, etc).;Patient's phenotype or family history is highly specific for a disease with a single genetic etiology.